The following is an entry in ClinVar:

ClinVar aggregate classification (germline): Uncertain significance (1 of 4 stars; one submission).

Allele frequency attached by ClinVar (database versions not stated): gnomAD exomes below 0.00001.
gnomAD v4.1: 1 of 1,606,716 alleles (0.000062%); highest among the groups gnomAD compares: East Asian, 0.0022%; no homozygotes.

Submission:

Labcorp Genetics (formerly Invitae), Labcorp
Classification: Uncertain significance. Last evaluated: 2023-11-27. Review status: criteria provided, single submitter. Criteria: Invitae Variant Classification Sherloc (09022015). Collection method: clinical testing. Allele origin: germline.
Comment: This sequence change replaces aspartic acid, which is acidic and polar, with glycine, which is neutral and non-polar, at codon 4612 of the PCLO protein (p.Asp4612Gly). This variant is not present in population databases (gnomAD no frequency). This variant has not been reported in the literature in individuals affected with PCLO-related conditions. ClinVar contains an entry for this variant (Variation ID: 2070814). Experimental studies and prediction algorithms are not available or were not evaluated, and the functional significance of this variant is currently unknown. Algorithms developed to predict the effect of sequence changes on RNA splicing suggest that this variant may create or strengthen a splice site. In summary, the available evidence is currently insufficient to determine the role of this variant in disease. Therefore, it has been classified as a Variant of Uncertain Significance.

NM_033026.6(PCLO):c.13835A>G (p.Asp4612Gly)

Gene: PCLO (piccolo presynaptic cytomatrix protein; minus strand). Cytogenetic location: 7q21.11.
Variant type: single nucleotide variant.
Coding change: c.13835A>G on transcript NM_033026.6 (MANE Select); coding-DNA position 13835, A replaced by G.
Protein change: p.Asp4612Gly; replaces aspartic acid 4612 with glycine.
Molecular consequence: missense variant.
Genome position (GRCh38, 1-based): chr7:82,845,482, T>C on the plus strand (A>G on the coding strand, the complement: PCLO is on the minus strand). VCF-style: chr7-82845482-T-C. GRCh37 (hg19) VCF-style: chr7-82474798-T-C.
Other names: c.13835A>G, p.Asp4612Gly (NM_014510.3); short protein forms D4612G.
Identifiers: ClinVar variation 2070814 (VCV002070814.2), dbSNP rs1217477915, ClinGen allele CA367879092.